The following is an entry in ClinVar:

ClinVar aggregate classification (germline): Uncertain significance (1 of 4 stars; one submission).

Conditions:
Hereditary cancer-predisposing syndrome. Also called: Tumor predisposition; Hereditary neoplastic syndrome; Neoplastic Syndromes, Hereditary; Hereditary Cancer Syndrome. Identifiers: Orphanet 140162, MedGen C0027672, MeSH D009386, MONDO:0015356.

Submission:

Ambry Genetics
Classification: Uncertain significance for Hereditary cancer-predisposing syndrome. Last evaluated: 2018-04-24. Review status: criteria provided, single submitter. Criteria: Ambry Variant Classification Scheme 2023. Collection method: clinical testing. Allele origin: germline.
Comment: The p.L417F variant (also known as c.1251A>C), located in coding exon 9 of the FH gene, results from an A to C substitution at nucleotide position 1251. The leucine at codon 417 is replaced by phenylalanine, an amino acid with highly similar properties. This amino acid position is highly conserved in available vertebrate species. In addition, this alteration is predicted to be deleterious by in silico analysis. Since supporting evidence is limited at this time, the clinical significance of this alteration remains unclear.

NM_000143.4(FH):c.1251A>C (p.Leu417Phe)

Gene: FH (fumarate hydratase; minus strand). Cytogenetic location: 1q43.
Variant type: single nucleotide variant.
Coding change: c.1251A>C on transcript NM_000143.4 (MANE Select); coding-DNA position 1251, A replaced by C.
Protein change: p.Leu417Phe; replaces leucine 417 with phenylalanine.
Molecular consequence: missense variant.
Genome position (GRCh38, 1-based): chr1:241,500,576, T>G on the plus strand (A>C on the coding strand, the complement: FH is on the minus strand). VCF-style: chr1-241500576-T-G. GRCh37 (hg19) VCF-style: chr1-241663876-T-G.
Other names: short protein forms L417F.
Identifiers: ClinVar variation 818698 (VCV000818698.4), dbSNP rs1573878136, ClinGen allele CA345436898.